The following is an entry in ClinVar:

ClinVar aggregate classification (germline): Uncertain significance (1 of 4 stars; one submission).

Conditions:
Hereditary diffuse gastric adenocarcinoma (HDGC). Also called: DIFFUSE GASTRIC AND LOBULAR BREAST CANCER SYNDROME. Identifiers: Orphanet 26106, MedGen C1708349, MONDO:0007648, OMIM 137215.

Submission:

Labcorp Genetics (formerly Invitae), Labcorp
Classification: Uncertain significance for Hereditary diffuse gastric adenocarcinoma. Last evaluated: 2021-02-20. Review status: criteria provided, single submitter. Criteria: Invitae Variant Classification Sherloc (09022015). Collection method: clinical testing. Allele origin: germline.
Comment: This variant has not been reported in the literature in individuals with CDH1-related conditions. In summary, the available evidence is currently insufficient to determine the role of this variant in disease. Therefore, it has been classified as a Variant of Uncertain Significance. Algorithms developed to predict the effect of missense changes on protein structure and function (SIFT, PolyPhen-2, Align-GVGD) all suggest that this variant is likely to be tolerated, but these predictions have not been confirmed by published functional studies and their clinical significance is uncertain. This variant is not present in population databases (ExAC no frequency). This sequence change replaces glycine with aspartic acid at codon 186 of the CDH1 protein (p.Gly186Asp). The glycine residue is weakly conserved and there is a moderate physicochemical difference between glycine and aspartic acid.

NM_004360.5(CDH1):c.557G>A (p.Gly186Asp)

Gene: CDH1 (cadherin 1; plus strand). Cytogenetic location: 16q22.1.
Variant type: single nucleotide variant.
Coding change: c.557G>A on transcript NM_004360.5 (MANE Select); coding-DNA position 557, G replaced by A.
Protein change: p.Gly186Asp; replaces glycine 186 with aspartic acid.
Molecular consequence: missense variant. On other transcripts: 5 prime UTR variant (2).
Genome position (GRCh38, 1-based): chr16:68,808,718, G>A. VCF-style: chr16-68808718-G-A. GRCh37 (hg19) VCF-style: chr16-68842621-G-A.
Other names: c.557G>A, p.Gly186Asp (NM_001317184.2); c.-1059G>A (NM_001317185.2); c.-1263G>A (NM_001317186.2); short protein forms G186D.
Identifiers: ClinVar variation 1509795 (VCV001509795.8), dbSNP rs1567504752, ClinGen allele CA396457895.
Genomic context (GRCh38, chr16:68,808,718, plus strand): 5'-CTTTACTAATTCTTTTTCTTTCATTTTGTCTTCAGATCAAATCCAACAAAGACAAAGAAG[G>A]CAAGGTTTTCTACAGCATCACTGGCCAAGGAGCTGACACACCCCCTGTTGGTGTCTTTAT-3'
Protein context (NP_004351.1, residues 176-196): VQIKSNKDKE[Gly186Asp]KVFYSITGQG